The following is an entry in ClinVar:

ClinVar aggregate classification (germline): Pathogenic. Review status: criteria provided, multiple submitters, no conflicts (2 of 4 stars). 5 submissions from 5 submitters: Pathogenic (5). Last evaluated 2026-04-27.

Conditions:
Heterotopia, periventricular, X-linked dominant (PVNH1). Also called: PERIVENTRICULAR NODULAR HETEROTOPIA 1; X-linked periventricular heterotopia; PERIVENTRICULAR NODULAR HETEROTOPIA 4; HETEROTOPIA, PERIVENTRICULAR, 1. Identifiers: Orphanet 2149, Orphanet 82004, MedGen C1848213, MONDO:0010233, OMIM 300049.
Oto-palato-digital syndrome, type II (OPD2). Also called: Otopalatodigital Syndrome, Type II; FACIOPALATOOSSEOUS SYNDROME; Otopalatodigital Syndrome Type 2 (FLNA-OPD2); OPD II SYNDROME. Identifiers: Orphanet 669, Orphanet 90652, MedGen C1844696, MONDO:0010571, OMIM 304120.
Frontometaphyseal dysplasia (FMD1). Identifiers: Orphanet 1826, MedGen C0265293, MONDO:0015942.
Melnick-Needles syndrome (MNS). Also called: MELNICK-NEEDLES OSTEODYSPLASTY; Melnick-Needles Syndrome (FLNA-MNS); OSTEODYSPLASTY OF MELNICK AND NEEDLES. Identifiers: Orphanet 2484, MedGen C0025237, MONDO:0010650, OMIM 309350.
Epilepsy. Also called: Seizure disorder. Identifiers: MedGen C0014544, MeSH D004827, MONDO:0005027.

Submissions (5):

Cytogénomique, Hospices Civils de Lyon
Classification: Pathogenic for Epilepsy. Last evaluated: 2026-04-27. Review status: criteria provided, single submitter. Criteria: ACMG Guidelines, 2015. Collection method: clinical testing. Allele origin: germline. Affected: yes.

Labcorp Genetics (formerly Invitae), Labcorp
Classification: Pathogenic for Oto-palato-digital syndrome, type II; Heterotopia, periventricular, X-linked dominant; Frontometaphyseal dysplasia; Melnick-Needles syndrome. Last evaluated: 2024-09-16. Review status: criteria provided, single submitter. Criteria: Invitae Variant Classification Sherloc (09022015). Collection method: clinical testing. Allele origin: germline.
Comment: This sequence change creates a premature translational stop signal (p.Val2204Alafs*2) in the FLNA gene. It is expected to result in an absent or disrupted protein product. Loss-of-function variants in FLNA are known to be pathogenic (PMID: 16684786, 20730588, 26471271). This variant is not present in population databases (gnomAD no frequency). This premature translational stop signal has been observed in individual(s) with periventricular heterotopia (PMID: 20730588). ClinVar contains an entry for this variant (Variation ID: 190179). For these reasons, this variant has been classified as Pathogenic.

CeGaT Center for Human Genetics Tuebingen
Classification: Pathogenic. Last evaluated: 2023-08-01. Review status: criteria provided, single submitter. Criteria: CeGaT Center For Human Genetics Tuebingen Variant Classification Criteria Version 2. Collection method: clinical testing. Allele origin: germline. Affected: yes. Observed: 1 variant allele.
Comment: FLNA: PVS1, PM2, PS4:Supporting

GeneDx
Classification: Pathogenic. Last evaluated: 2015-06-08. Review status: criteria provided, single submitter. Criteria: GeneDx Variant Classification (06012015). Collection method: clinical testing. Allele origin: germline. Affected: yes.
Comment: This mutation causes a shift in reading frame starting at codon Valine 2204, changing it to an Alanine, and creating a premature stop codon at position 2 of the new reading frame, denoted p.Val2204AlafsX2. This mutation is expected to result in either an abnormal, truncated protein product or loss of protein from this allele through nonsense-mediated mRNA decay. Other frameshift mutations in the FLNA gene have been reported in association with FLNA-related disorder. Furthermore, the c.6611_6614delTCAG mutation was not observed in approximately 6500 individuals of European and African American ancestry in the NHLBI Exome Sequencing Project, indicating it is not a common benign variant in these populations. In summary, c.6611_6614delTCAG in the FLNA gene is interpreted as a disease-causing mutation.

Claritas Genomics
Classification: Pathogenic for periventricular nodular heterotopia. Last evaluated: 2010-10-27. Review status: criteria provided, single submitter. Criteria: ACMG Guidelines, 2007. Collection method: clinical testing. Allele origin: germline. Inheritance: X-linked inheritance.

Literature cited by the submitters: PubMed 16684786 (cited by Labcorp Genetics (formerly Invitae), Labcorp); PubMed 20730588 (cited by Labcorp Genetics (formerly Invitae), Labcorp); PubMed 26471271 (cited by Labcorp Genetics (formerly Invitae), Labcorp).

NM_001110556.2(FLNA):c.6635_6638del (p.Val2212fs)

Gene: FLNA (filamin A; minus strand). Cytogenetic location: Xq28.
Variant type: Deletion.
Coding change: c.6635_6638del on transcript NM_001110556.2 (MANE Select); coding-DNA positions 6635 to 6638, 4 bases deleted (TCAG; older notation c.6635_6638delTCAG).
Protein change: p.Val2212fs; shifts the reading frame from valine 2212.
Molecular consequence: frameshift variant.
Genome position (GRCh38, 1-based): chrX:154,352,312-154,352,315, CTGA deleted on the plus strand (TCAG on the coding strand, the reverse complement: FLNA is on the minus strand); deleting any 4 consecutive bases within chrX:154,352,312-154,352,318 gives the same sequence; the c. name uses the placement nearest the transcript's 3' end. VCF-style (leftmost placement, unchanged base first): chrX-154352311-GCTGA-G. GRCh37 (hg19) VCF-style: chrX-153580679-GCTGA-G.
Other names: c.6611_6614delTCAG (NM_001456.3); c.6611_6614del, p.Val2204fs (NM_001456.4); short protein forms V2204fs, V2212fs.
Identifiers: ClinVar variation 190179 (VCV000190179.31), dbSNP rs786205178, ClinGen allele CA274717.